The following is an entry in ClinVar:

NM_152424.4(AMER1):c.1356A>C (p.Glu452Asp)

Gene: AMER1 (APC membrane recruitment protein 1; minus strand). Cytogenetic location: Xq11.2.
Variant type: single nucleotide variant.
Coding change: c.1356A>C on transcript NM_152424.4 (MANE Select); coding-DNA position 1356, A replaced by C.
Protein change: p.Glu452Asp; replaces glutamic acid 452 with aspartic acid.
Molecular consequence: missense variant.
Genome position (GRCh38, 1-based): chrX:64,191,931, T>G on the plus strand (A>C on the coding strand, the complement: AMER1 is on the minus strand). VCF-style: chrX-64191931-T-G. GRCh37 (hg19) VCF-style: chrX-63411811-T-G.
Other names: short protein forms E452D.
Identifiers: ClinVar variation 3257523 (VCV003257523.17).

ClinVar aggregate classification (germline): Uncertain significance (1 of 4 stars; one submission).

Submission:

CeGaT Center for Human Genetics Tuebingen
Classification: Uncertain significance. Last evaluated: 2024-07-01. Review status: criteria provided, single submitter. Criteria: CeGaT Center For Human Genetics Tuebingen Variant Classification Criteria Version 2. Collection method: clinical testing. Allele origin: germline. Affected: yes. Observed: 1 variant allele.
Comment: AMER1: PM2, BP4